The following is an entry in ClinVar:

NC_000003.12:g.169764814G>T

Genes: TERC (telomerase RNA component; minus strand), LOC110806306 (telomerase RNA component (TERC) promoter; plus strand). Cytogenetic location: 3q26.2.
Variant type: single nucleotide variant.
Genome position: GRCh38 VCF-style: chr3-169764814-G-T. GRCh37 (hg19) VCF-style: chr3-169482602-G-T.
Identifiers: ClinVar variation 2744221 (VCV002744221.3), dbSNP rs2474262208, ClinGen allele CA436715287.
Genomic context (GRCh38, chr3:169,764,814, plus strand): 5'-AACTCTTCGCGGTGGCAGTGGGTGCCTCCGGAGAAGCCCCGGGCCGACCGCGGCCTCCAG[G>T]CGGGGTTCGGGGGCTGGGCAGGCGACCCGCCGCAGGTCCCCGGGAGGGGCGAACGGGCCA-3'

ClinVar aggregate classification (germline): Uncertain significance (1 of 4 stars; one submission).

Conditions:
Dyskeratosis congenita, autosomal dominant 1 (DKCA1). Also called: Dyskeratosis congenita Scoggins type. Identifiers: Orphanet 1775, MedGen C4551974, MONDO:0007485, OMIM 127550. Inheritance: Variable.

Submission:

Labcorp Genetics (formerly Invitae), Labcorp
Classification: Uncertain significance for Dyskeratosis congenita, autosomal dominant 1. Last evaluated: 2023-06-07. Review status: criteria provided, single submitter. Criteria: Invitae Variant Classification Sherloc (09022015). Collection method: clinical testing. Allele origin: germline.
Comment: In summary, the available evidence is currently insufficient to determine the role of this variant in disease. Therefore, it has been classified as a Variant of Uncertain Significance. This variant is located within the conserved regions 4 and 5 (CR4-CR5) domain of the TERC RNA component, which is required for telomerase activity (PMID: 15082312, 21844345). This variant has not been reported in the literature in individuals affected with TERC-related conditions. This variant is not present in population databases (gnomAD no frequency). This variant occurs in the TERC gene, which encodes an RNA molecule that does not result in a protein product.

Literature cited by the submitters: PubMed 15082312; PubMed 21844345.